The following is an entry in ClinVar:

NM_013339.4(ALG6):c.218C>T (p.Pro73Leu)

Gene: ALG6 (ALG6 alpha-1,3-glucosyltransferase; plus strand). Cytogenetic location: 1p31.3.
Variant type: single nucleotide variant.
Coding change: c.218C>T on transcript NM_013339.4 (MANE Select); coding-DNA position 218, C replaced by T.
Protein change: p.Pro73Leu; replaces proline 73 with leucine.
Molecular consequence: missense variant.
Genome position (GRCh38, 1-based): chr1:63,402,304, C>T. VCF-style: chr1-63402304-C-T. GRCh37 (hg19) VCF-style: chr1-63867975-C-T.
Other names: short protein forms P73L.
Identifiers: ClinVar variation 1449870 (VCV001449870.4), dbSNP rs2100412827, ClinGen allele CA340634155.

ClinVar aggregate classification (germline): Uncertain significance (1 of 4 stars; one submission).

Conditions:
ALG6-congenital disorder of glycosylation 1C (CDG1C). Also called: Congenital disorder of glycosylation, type Ic; CARBOHYDRATE-DEFICIENT GLYCOPROTEIN SYNDROME, TYPE I, WITH DEFICIENT GLYCOSYLATION OF DOLICHOL-LINKED OLIGOSACCHARIDE; CARBOHYDRATE-DEFICIENT GLYCOPROTEIN SYNDROME, TYPE V; CDG Ic; Congenital disorder of glycosylation type 1C. Identifiers: Orphanet 79320, MedGen C2930997, MONDO:0011291, OMIM 603147.

gnomAD v4.1: 1 of 1,611,938 alleles (0.000062%); highest among the groups gnomAD compares: Non-Finnish European, 0.000085%; no homozygotes.

Submission:

Labcorp Genetics (formerly Invitae), Labcorp
Classification: Uncertain significance for ALG6-congenital disorder of glycosylation 1C. Last evaluated: 2022-06-13. Review status: criteria provided, single submitter. Criteria: Invitae Variant Classification Sherloc (09022015). Collection method: clinical testing. Allele origin: germline.
Comment: This sequence change replaces proline, which is neutral and non-polar, with leucine, which is neutral and non-polar, at codon 73 of the ALG6 protein (p.Pro73Leu). This variant is not present in population databases (gnomAD no frequency). This variant has not been reported in the literature in individuals affected with ALG6-related conditions. Algorithms developed to predict the effect of missense changes on protein structure and function (SIFT, PolyPhen-2, Align-GVGD) all suggest that this variant is likely to be disruptive. In summary, the available evidence is currently insufficient to determine the role of this variant in disease. Therefore, it has been classified as a Variant of Uncertain Significance.